The following is an entry in ClinVar:

NM_014425.5(INVS):c.2002G>T (p.Gly668Ter)

Gene: INVS (inversin; plus strand). Cytogenetic location: 9q31.1.
Variant type: single nucleotide variant.
Coding change: c.2002G>T on transcript NM_014425.5 (MANE Select); coding-DNA position 2002, G replaced by T.
Protein change: p.Gly668Ter; replaces glycine 668 with a stop codon.
Molecular consequence: nonsense. On other transcripts: non-coding transcript variant (1).
Genome position (GRCh38, 1-based): chr9:100,284,537, G>T. VCF-style: chr9-100284537-G-T. GRCh37 (hg19) VCF-style: chr9-103046819-G-T.
Other names: c.1714G>T, p.Gly572Ter (NM_001318381.2); c.1024G>T, p.Gly342Ter (NM_001318382.2); short protein forms G668*, G572*, G342*.
Identifiers: ClinVar variation 939728 (VCV000939728.7), dbSNP rs764384987, ClinGen allele CA374240520.

ClinVar aggregate classification (germline): Pathogenic (1 of 4 stars; one submission).

Conditions:
Nephronophthisis. Also called: Juvenile Nephronophthisis. Identifiers: Orphanet 655, MedGen C0687120, MONDO:0019005, HP:0000090.

Submission:

Labcorp Genetics (formerly Invitae), Labcorp
Classification: Pathogenic for Nephronophthisis. Last evaluated: 2021-07-16. Review status: criteria provided, single submitter. Criteria: Invitae Variant Classification Sherloc (09022015). Collection method: clinical testing. Allele origin: germline.
Comment: This variant is not present in population databases (ExAC no frequency). This variant has not been reported in the literature in individuals with INVS-related conditions. Loss-of-function variants in INVS are known to be pathogenic (PMID: 12872123). For these reasons, this variant has been classified as Pathogenic. This sequence change creates a premature translational stop signal (p.Gly668*) in the INVS gene. It is expected to result in an absent or disrupted protein product.

Literature cited by the submitters: PubMed 12872123.